The following is an entry in ClinVar:

NM_002878.4(RAD51D):c.13A>G (p.Arg5Gly)

Genes: RAD51D (RAD51 paralog D; minus strand), RAD51L3-RFFL (RAD51L3-RFFL readthrough; minus strand). Cytogenetic location: 17q12.
Variant type: single nucleotide variant.
Coding change: c.13A>G on transcript NM_002878.4 (MANE Select); coding-DNA position 13, A replaced by G.
Protein change: p.Arg5Gly; replaces arginine 5 with glycine.
Molecular consequence: missense variant. On other transcripts: non-coding transcript variant (2).
Genome position (GRCh38, 1-based): chr17:35,119,601, T>C on the plus strand (A>G on the coding strand, the complement: RAD51D is on the minus strand). VCF-style: chr17-35119601-T-C. GRCh37 (hg19) VCF-style: chr17-33446620-T-C.
Other names: c.13A>G, p.Arg5Gly (NM_001142571.2, NM_133629.3); short protein forms R5G.
Identifiers: ClinVar variation 2625304 (VCV002625304.2), dbSNP rs876660779, ClinGen allele CA399092577.

ClinVar aggregate classification (germline): Uncertain significance (1 of 4 stars; one submission).

Conditions:
Hereditary cancer-predisposing syndrome. Also called: Tumor predisposition; Hereditary Cancer Syndrome; Hereditary neoplastic syndrome; Neoplastic Syndromes, Hereditary. Identifiers: Orphanet 140162, MedGen C0027672, MeSH D009386, MONDO:0015356.

Submission:

Ambry Genetics
Classification: Uncertain significance for Hereditary cancer-predisposing syndrome. Last evaluated: 2023-09-07. Review status: criteria provided, single submitter. Criteria: Ambry Variant Classification Scheme 2023. Collection method: clinical testing. Allele origin: germline.
Comment: The p.R5G variant (also known as c.13A>G), located in coding exon 1 of the RAD51D gene, results from an A to G substitution at nucleotide position 13. The arginine at codon 5 is replaced by glycine, an amino acid with dissimilar properties. This amino acid position is conserved. In addition, the in silico prediction for this alteration is inconclusive. Since supporting evidence is limited at this time, the clinical significance of this alteration remains unclear.